The following is an entry in ClinVar:

ClinVar aggregate classification (germline): Benign/Likely benign. Review status: criteria provided, multiple submitters, no conflicts (2 of 4 stars). 6 submissions from 6 submitters: Benign (3); Likely benign (3). Last evaluated 2026-07-01.

Conditions:
Early-infantile DEE. Also called: Early infantile epileptic encephalopathy; Ohtahara syndrome; Early infantile epileptic encephalopathy with suppression bursts. Identifiers: Orphanet 1934, MedGen C0393706, MONDO:0800491.
SPTAN1-related disorder. Also called: SPTAN1-related condition; SPTAN1-related disorders.
Inborn genetic diseases. Identifiers: MedGen C0950123, MeSH D030342.
Developmental and epileptic encephalopathy, 5 (DEE5). Identifiers: Orphanet 3451, MedGen C3150731, MONDO:0013277, OMIM 613477.

Allele frequency attached by ClinVar (database versions not stated): gnomAD 0.00002; gnomAD exomes 0.00012 and 0.00025; TOPMed 0.00012; ExAC 0.00017.
gnomAD v4.1: 76 of 1,614,074 alleles (0.0047%); highest among the groups gnomAD compares: Admixed American, 0.12%; no homozygotes.

Submissions (6):

CeGaT Center for Human Genetics Tuebingen
Classification: Likely benign. Last evaluated: 2026-07-01. Review status: criteria provided, single submitter. Criteria: CeGaT Center For Human Genetics Tuebingen Variant Classification Criteria Version 2. Collection method: clinical testing. Allele origin: germline. Affected: yes. Observed: 2 variant alleles.
Comment: SPTAN1: BS1

PreventionGenetics, part of Exact Sciences
Classification: Likely benign for SPTAN1-related condition. Last evaluated: 2026-05-13. Review status: criteria provided, single submitter. Criteria: ACMG Guidelines, 2015. Collection method: clinical testing. Allele origin: germline.
Comment: This variant is classified as likely benign based on ACMG/AMP sequence variant interpretation guidelines (Richards et al. 2015 PMID: 25741868, with internal and published modifications).

Labcorp Genetics (formerly Invitae), Labcorp
Classification: Likely benign for Early-infantile DEE. Last evaluated: 2026-01-13. Review status: criteria provided, single submitter. Criteria: Invitae Variant Classification Sherloc (09022015). Collection method: clinical testing. Allele origin: germline.

Genome-Nilou Lab
Classification: Benign for Developmental and epileptic encephalopathy, 5. Last evaluated: 2021-07-15. Review status: criteria provided, single submitter. Criteria: ACMG Guidelines, 2015. Collection method: clinical testing. Allele origin: germline. Affected: no.

GeneDx
Classification: Benign. Last evaluated: 2019-07-03. Review status: criteria provided, single submitter. Criteria: GeneDx Variant Classification Process June 2021. Collection method: clinical testing. Allele origin: germline. Affected: yes.

Ambry Genetics
Classification: Benign for Inborn genetic diseases. Last evaluated: 2019-06-21. Review status: criteria provided, single submitter. Criteria: Ambry Variant Classification Scheme 2023. Collection method: clinical testing. Allele origin: germline.

NM_001130438.3(SPTAN1):c.6133A>G (p.Lys2045Glu)

Gene: SPTAN1 (spectrin alpha, non-erythrocytic 1; plus strand). Cytogenetic location: 9q34.11.
Variant type: single nucleotide variant.
Coding change: c.6133A>G on transcript NM_001130438.3 (MANE Select); coding-DNA position 6133, A replaced by G.
Protein change: p.Lys2045Glu; replaces lysine 2045 with glutamic acid.
Molecular consequence: missense variant.
Genome position (GRCh38, 1-based): chr9:128,625,832, A>G. VCF-style: chr9-128625832-A-G. GRCh37 (hg19) VCF-style: chr9-131388111-A-G.
Other names: c.6058A>G, p.Lys2020Glu (NM_001195532.2); c.6133A>G, p.Lys2045Glu (NM_001363759.2); c.6073A>G, p.Lys2025Glu (NM_001363765.2); c.6118A>G, p.Lys2040Glu (NM_003127.4); short protein forms K2045E, K2020E, K2040E, K2025E.
Identifiers: ClinVar variation 384009 (VCV000384009.22), dbSNP rs753515426, ClinGen allele CA5265648.